The following is an entry in ClinVar:

ClinVar aggregate classification (germline): Benign/Likely benign. Review status: criteria provided, multiple submitters, no conflicts (2 of 4 stars). 2 submissions from 2 submitters: Benign (1); Likely benign (1). Last evaluated 2024-09-25.

Conditions:
Melanoma, cutaneous malignant, susceptibility to, 3. Also called: Cutaneous malignant melanoma 3. Identifiers: Orphanet 618, MedGen C1836892, MONDO:0012183, OMIM 609048.
Familial melanoma. Also called: Hereditary melanoma; Hereditary cutaneous melanoma. Identifiers: Orphanet 618, MedGen C1512419, MONDO:0018961.

Submissions (2):

Myriad Genetics, Inc.
Classification: Benign for Melanoma, cutaneous malignant, susceptibility to, 3. Last evaluated: 2024-09-25. Review status: criteria provided, single submitter. Criteria: Myriad Autosomal Dominant, Autosomal Recessive and X-Linked Classification Criteria (2023). Collection method: clinical testing. Allele origin: unknown.
Comment: This variant is considered benign. This variant is a silent/synonymous amino acid change and it is not expected to impact splicing.

Labcorp Genetics (formerly Invitae), Labcorp
Classification: Likely benign for Familial melanoma. Last evaluated: 2019-09-11. Review status: criteria provided, single submitter. Criteria: Invitae Variant Classification Sherloc (09022015). Collection method: clinical testing. Allele origin: germline.

NM_000075.4(CDK4):c.264G>A (p.Lys88=)

Gene: CDK4 (cyclin dependent kinase 4; minus strand). Cytogenetic location: 12q14.1.
Variant type: single nucleotide variant.
Coding change: c.264G>A on transcript NM_000075.4 (MANE Select); coding-DNA position 264, G replaced by A.
Protein change: p.Lys88=; no amino-acid change (lysine 88 retained).
Molecular consequence: synonymous variant.
Genome position (GRCh38, 1-based): chr12:57,751,297, C>T on the plus strand (G>A on the coding strand, the complement: CDK4 is on the minus strand). VCF-style: chr12-57751297-C-T. GRCh37 (hg19) VCF-style: chr12-58145080-C-T.
Identifiers: ClinVar variation 1160538 (VCV001160538.10), dbSNP rs2140387452, ClinGen allele CA480404601.